The following is an entry in ClinVar:

ClinVar aggregate classification (germline): Pathogenic (1 of 4 stars; one submission).

Conditions:
Juvenile polyposis syndrome (JPS). Identifiers: Orphanet 2929, MedGen C0345893, MONDO:0017380, OMIM 174900.

Submission:

Labcorp Genetics (formerly Invitae), Labcorp
Classification: Pathogenic for Juvenile polyposis syndrome. Last evaluated: 2018-08-02. Review status: criteria provided, single submitter. Criteria: Invitae Variant Classification Sherloc (09022015). Collection method: clinical testing. Allele origin: germline.
Comment: This sequence change creates a premature translational stop signal (p.Leu148Argfs*9) in the SMAD4 gene. It is expected to result in an absent or disrupted protein product. This variant is not present in population databases (ExAC no frequency). This variant has not been reported in the literature in individuals with SMAD4-related disease. Loss-of-function variants in SMAD4 are known to be pathogenic (PMID: 16152648, 16436638, 22810475). For these reasons, this variant has been classified as Pathogenic.

Literature cited by the submitters: PubMed 16152648; PubMed 16436638; PubMed 22810475.

NM_005359.6(SMAD4):c.443del (p.Leu148fs)

Gene: SMAD4 (SMAD family member 4; plus strand). Cytogenetic location: 18q21.2.
Variant type: Deletion.
Coding change: c.443del on transcript NM_005359.6 (MANE Select); coding-DNA position 443, one base deleted (T; older notation c.443delT).
Protein change: p.Leu148fs; shifts the reading frame from leucine 148.
Molecular consequence: frameshift variant.
Genome position (GRCh38, 1-based): chr18:51,049,313, T deleted. VCF-style (leftmost placement, unchanged base first): chr18-51049312-CT-C. GRCh37 (hg19) VCF-style: chr18-48575682-CT-C.
Other names: c.443delT (NM_005359.5); short protein forms L148fs.
Identifiers: ClinVar variation 643787 (VCV000643787.8), dbSNP rs1599182906, ClinGen allele CA915951529.